The following is an entry in ClinVar:

ClinVar aggregate classification (germline): Uncertain significance (1 of 4 stars; one submission).

Conditions:
POLD1-related polyposis and colorectal cancer syndrome (CRCS10). Also called: Colorectal cancer 10; COLORECTAL CANCER, SUSCEPTIBILITY TO, ON CHROMOSOME 19q; Colorectal cancer, susceptibility to, 10. Identifiers: Orphanet 220460, MedGen C2675481, MONDO:0012953, OMIM 612591.

Submission:

Labcorp Genetics (formerly Invitae), Labcorp
Classification: Uncertain significance for POLD1-related polyposis and colorectal cancer syndrome. Last evaluated: 2024-05-08. Review status: criteria provided, single submitter. Criteria: Invitae Variant Classification Sherloc (09022015). Collection method: clinical testing. Allele origin: germline.
Comment: This sequence change replaces glutamic acid, which is acidic and polar, with glutamine, which is neutral and polar, at codon 181 of the POLD1 protein (p.Glu181Gln). This variant is not present in population databases (gnomAD no frequency). This variant has not been reported in the literature in individuals affected with POLD1-related conditions. ClinVar contains an entry for this variant (Variation ID: 2041415). An algorithm developed to predict the effect of missense changes on protein structure and function (PolyPhen-2) suggests that this variant is likely to be disruptive. In summary, the available evidence is currently insufficient to determine the role of this variant in disease. Therefore, it has been classified as a Variant of Uncertain Significance.

NM_002691.4(POLD1):c.541G>C (p.Glu181Gln)

Gene: POLD1 (DNA polymerase delta 1, catalytic subunit; plus strand). Cytogenetic location: 19q13.33.
Variant type: single nucleotide variant.
Coding change: c.541G>C on transcript NM_002691.4 (MANE Select); coding-DNA position 541, G replaced by C.
Protein change: p.Glu181Gln; replaces glutamic acid 181 with glutamine.
Molecular consequence: missense variant. On other transcripts: non-coding transcript variant (1).
Genome position (GRCh38, 1-based): chr19:50,402,076, G>C. VCF-style: chr19-50402076-G-C. GRCh37 (hg19) VCF-style: chr19-50905333-G-C.
Other names: c.541G>C, p.Glu181Gln (NM_001256849.1, NM_001308632.1); short protein forms E181Q.
Identifiers: ClinVar variation 2041415 (VCV002041415.4), dbSNP rs1060501833, ClinGen allele CA406973245.